The following is an entry in ClinVar:

NM_020680.4(SCYL1):c.1102C>T (p.Arg368Cys)

Gene: SCYL1 (SCY1 like pseudokinase 1; plus strand). Cytogenetic location: 11q13.1.
Variant type: single nucleotide variant.
Coding change: c.1102C>T on transcript NM_020680.4 (MANE Select); coding-DNA position 1102, C replaced by T.
Protein change: p.Arg368Cys; replaces arginine 368 with cysteine.
Molecular consequence: missense variant.
Genome position (GRCh38, 1-based): chr11:65,531,669, C>T. VCF-style: chr11-65531669-C-T. GRCh37 (hg19) VCF-style: chr11-65299140-C-T.
Other names: c.1102C>T, p.Arg368Cys (NM_001048218.2, NM_001411022.1, NM_001425179.1 and 18 more transcripts); c.1099C>T, p.Arg367Cys (NM_001425180.1, NM_001425183.1); c.1018C>T, p.Arg340Cys (NM_001425189.1); c.847C>T, p.Arg283Cys (NM_001425199.1); c.838C>T, p.Arg280Cys (NM_001425200.1); c.673C>T, p.Arg225Cys (NM_001425203.1, NM_001425204.1, NM_001425205.1 and 2 more transcripts); c.490C>T, p.Arg164Cys (NM_001425208.1, NM_001425209.1, NM_001425210.1 and 1 more transcripts); short protein forms R164C, R225C, R280C, R283C, R340C, R367C, R368C.
Identifiers: ClinVar variation 3369650 (VCV003369650.1).

ClinVar aggregate classification (germline): Uncertain significance (1 of 4 stars; one submission).

Submission:

GeneDx
Classification: Uncertain significance. Last evaluated: 2024-02-28. Review status: criteria provided, single submitter. Criteria: GeneDx Variant Classification Process June 2021. Collection method: clinical testing. Allele origin: germline. Affected: yes.
Comment: Reported as an apparently de novo variant in a patient from a cohort of individuals with autism spectrum disorder (PMID: 35982160); In silico analysis supports that this missense variant has a deleterious effect on protein structure/function; This variant is associated with the following publications: (PMID: 35982160, 35982159)